The following is an entry in ClinVar:

ClinVar aggregate classification (germline): Uncertain significance (1 of 4 stars; one submission).

Submission:

Labcorp Genetics (formerly Invitae), Labcorp
Classification: Uncertain significance. Last evaluated: 2025-12-29. Review status: criteria provided, single submitter. Criteria: Invitae Variant Classification Sherloc (09022015). Collection method: clinical testing. Allele origin: germline.
Comment: This sequence change falls in intron 18 of the ITGAM gene. It does not directly change the encoded amino acid sequence of the ITGAM protein. This variant is present in population databases (rs760426850, gnomAD no frequency). This variant has not been reported in the literature in individuals affected with ITGAM-related conditions. Algorithms developed to predict the effect of sequence changes on RNA splicing suggest that this variant may disrupt the consensus splice site. In summary, the available evidence is currently insufficient to determine the role of this variant in disease. Therefore, it has been classified as a Variant of Uncertain Significance.

NM_000632.4(ITGAM):c.2290-10_2290-4del

Gene: ITGAM (integrin subunit alpha M; plus strand). Cytogenetic location: 16p11.2.
Variant type: Deletion.
Coding change: c.2290-10_2290-4del on transcript NM_000632.4 (MANE Select); 10 bases into the intron before coding-DNA position 2290 through 4 bases into the intron before coding-DNA position 2290, 7 bases deleted (TTTTTAA; older notation c.2290-10_2290-4delTTTTTAA).
Molecular consequence: intron variant.
Genome position (GRCh38, 1-based): chr16:31,324,948-31,324,954, TTTTTAA deleted. VCF-style (leftmost placement, unchanged base first): chr16-31324947-TTTTTTAA-T. GRCh37 (hg19) VCF-style: chr16-31336268-TTTTTTAA-T.
Other names: c.2293-10_2293-4del (NM_001145808.2).
Identifiers: ClinVar variation 4694012 (VCV004694012.1).